The following is an entry in ClinVar:

NM_001378454.1(ALMS1):c.10819G>A (p.Glu3607Lys)

Gene: ALMS1 (ALMS1 centrosome and basal body associated protein; plus strand). Cytogenetic location: 2p13.1.
Variant type: single nucleotide variant.
Coding change: c.10819G>A on transcript NM_001378454.1 (MANE Select); coding-DNA position 10819, G replaced by A.
Protein change: p.Glu3607Lys; replaces glutamic acid 3607 with lysine.
Molecular consequence: missense variant.
Genome position (GRCh38, 1-based): chr2:73,572,696, G>A. VCF-style: chr2-73572696-G-A. GRCh37 (hg19) VCF-style: chr2-73799823-G-A.
Other names: c.10822G>A, p.Glu3608Lys (NM_015120.4); short protein forms E3607K, E3608K.
Identifiers: ClinVar variation 1984963 (VCV001984963.4), dbSNP rs2466444754, ClinGen allele CA347285681.

ClinVar aggregate classification (germline): Uncertain significance (1 of 4 stars; one submission).

Conditions:
Alstrom syndrome (ALMS). Identifiers: Orphanet 64, MedGen C0268425, MONDO:0008763, OMIM 203800.

Submission:

Labcorp Genetics (formerly Invitae), Labcorp
Classification: Uncertain significance for Alstrom syndrome. Last evaluated: 2022-07-22. Review status: criteria provided, single submitter. Criteria: Invitae Variant Classification Sherloc (09022015). Collection method: clinical testing. Allele origin: germline.
Comment: In summary, the available evidence is currently insufficient to determine the role of this variant in disease. Therefore, it has been classified as a Variant of Uncertain Significance. Experimental studies and prediction algorithms are not available or were not evaluated, and the functional significance of this variant is currently unknown. This variant has not been reported in the literature in individuals affected with ALMS1-related conditions. This variant is not present in population databases (gnomAD no frequency). This sequence change replaces glutamic acid, which is acidic and polar, with lysine, which is basic and polar, at codon 3608 of the ALMS1 protein (p.Glu3608Lys).